The following is an entry in ClinVar:

NM_206933.4(USH2A):c.7805C>A (p.Ala2602Asp)

Gene: USH2A (usherin; minus strand). Cytogenetic location: 1q41.
Variant type: single nucleotide variant.
Coding change: c.7805C>A on transcript NM_206933.4 (MANE Select); coding-DNA position 7805, C replaced by A.
Protein change: p.Ala2602Asp; replaces alanine 2602 with aspartic acid.
Molecular consequence: missense variant.
Genome position (GRCh38, 1-based): chr1:215,888,844, G>T on the plus strand (C>A on the coding strand, the complement: USH2A is on the minus strand). VCF-style: chr1-215888844-G-T. GRCh37 (hg19) VCF-style: chr1-216062186-G-T.
Other names: short protein forms A2602D.
Identifiers: ClinVar variation 1994443 (VCV001994443.1), dbSNP rs750015741, ClinGen allele CA1394742.

ClinVar aggregate classification (germline): Uncertain significance (1 of 4 stars; one submission).

Allele frequency attached by ClinVar (database versions not stated): ExAC 0.00001.
gnomAD v4.1: 5 of 1,614,104 alleles (0.00031%); highest among the groups gnomAD compares: South Asian, 0.0011%; no homozygotes.

Submission:

Labcorp Genetics (formerly Invitae), Labcorp
Classification: Uncertain significance. Last evaluated: 2022-06-27. Review status: criteria provided, single submitter. Criteria: Invitae Variant Classification Sherloc (09022015). Collection method: clinical testing. Allele origin: germline.
Comment: This sequence change replaces alanine, which is neutral and non-polar, with aspartic acid, which is acidic and polar, at codon 2602 of the USH2A protein (p.Ala2602Asp). This variant is present in population databases (rs750015741, gnomAD 0.0009%). This variant has not been reported in the literature in individuals affected with USH2A-related conditions. Algorithms developed to predict the effect of missense changes on protein structure and function are either unavailable or do not agree on the potential impact of this missense change (SIFT: "Deleterious"; PolyPhen-2: "Probably Damaging"; Align-GVGD: "Class C15"). In summary, the available evidence is currently insufficient to determine the role of this variant in disease. Therefore, it has been classified as a Variant of Uncertain Significance.